The following is an entry in ClinVar:

NM_003793.4(CTSF):c.1253G>A (p.Arg418His)

Gene: CTSF (cathepsin F; minus strand). Cytogenetic location: 11q13.2.
Variant type: single nucleotide variant.
Coding change: c.1253G>A on transcript NM_003793.4 (MANE Select); coding-DNA position 1253, G replaced by A.
Protein change: p.Arg418His; replaces arginine 418 with histidine.
Molecular consequence: missense variant.
Genome position (GRCh38, 1-based): chr11:66,564,626, C>T on the plus strand (G>A on the coding strand, the complement: CTSF is on the minus strand). VCF-style: chr11-66564626-C-T. GRCh37 (hg19) VCF-style: chr11-66332097-C-T.
Other names: short protein forms R418H.
Identifiers: ClinVar variation 587775 (VCV000587775.13), dbSNP rs141345438, ClinGen allele CA6125257.

ClinVar aggregate classification (germline): Conflicting classifications of pathogenicity. Review status: criteria provided, conflicting classifications (1 of 4 stars). 3 submissions from 3 submitters: Uncertain significance (2); Likely benign (1). Last evaluated 2026-04-24.

Conditions:
Inborn genetic diseases. Identifiers: MedGen C0950123, MeSH D030342.
Neuronal ceroid lipofuscinosis 13 (CLN13). Also called: CLN13 Disease; CEROID LIPOFUSCINOSIS, NEURONAL, 13 (KUFS TYPE). Identifiers: Orphanet 352709, Orphanet 79262, MedGen C3715049, MONDO:0014147, OMIM 615362.

Allele frequency attached by ClinVar (database versions not stated): gnomAD exomes 0.00005 and 0.00003; ExAC 0.00009; gnomAD 0.00003; ESP Exome Variant Server 0.00015.
gnomAD v4.1: 48 of 1,606,654 alleles (0.003%); highest among the groups gnomAD compares: Middle Eastern, 0.017%; no homozygotes.

Submissions (3):

GeneDx
Classification: Uncertain significance. Last evaluated: 2026-04-24. Review status: criteria provided, single submitter. Criteria: GeneDx Variant Classification Process June 2021. Collection method: clinical testing. Allele origin: germline.
Comment: Not observed at significant frequency in large population cohorts (gnomAD); In silico analysis suggests that this missense variant does not alter protein structure/function; Has not been previously published as pathogenic or benign to our knowledge

Labcorp Genetics (formerly Invitae), Labcorp
Classification: Uncertain significance for Neuronal ceroid lipofuscinosis 13. Last evaluated: 2024-10-15. Review status: criteria provided, single submitter. Criteria: Invitae Variant Classification Sherloc (09022015). Collection method: clinical testing. Allele origin: germline.
Comment: This sequence change replaces arginine, which is basic and polar, with histidine, which is basic and polar, at codon 418 of the CTSF protein (p.Arg418His). The frequency data for this variant in the population databases is considered unreliable, as metrics indicate poor data quality at this position in the gnomAD database. This variant has not been reported in the literature in individuals affected with CTSF-related conditions. ClinVar contains an entry for this variant (Variation ID: 587775). Invitae Evidence Modeling of protein sequence and biophysical properties (such as structural, functional, and spatial information, amino acid conservation, physicochemical variation, residue mobility, and thermodynamic stability) indicates that this missense variant is not expected to disrupt CTSF protein function with a negative predictive value of 80%. In summary, the available evidence is currently insufficient to determine the role of this variant in disease. Therefore, it has been classified as a Variant of Uncertain Significance.

Ambry Genetics
Classification: Likely benign for Inborn genetic diseases. Last evaluated: 2017-01-17. Review status: criteria provided, single submitter. Criteria: Ambry Variant Classification Scheme 2023. Collection method: clinical testing. Allele origin: germline.